The following is an entry in ClinVar:

NM_025243.4(SLC19A3):c.1164del (p.Thr388_Ile389insTer)

Gene: SLC19A3 (solute carrier family 19 member 3; minus strand). Cytogenetic location: 2q36.3.
Variant type: Deletion.
Coding change: c.1164del on transcript NM_025243.4 (MANE Select); coding-DNA position 1164, one base deleted (C; older notation c.1164delC).
Protein change: p.Thr388_Ile389insTer.
Molecular consequence: frameshift variant.
Genome position (GRCh38, 1-based): chr2:227,695,897, G deleted on the plus strand (C on the coding strand, the reverse complement: SLC19A3 is on the minus strand); the first of 2 consecutive G bases (chr2:227,695,897-227,695,898); deleting either gives the same sequence. VCF-style (leftmost placement, unchanged base first): chr2-227695896-TG-T. GRCh37 (hg19) VCF-style: chr2-228560612-TG-T.
Other names: c.1164del, p.Thr388_Ile389insTer (NM_001371411.1, NM_001371412.1); c.1152del, p.Thr384_Ile385insTer (NM_001371413.1, NM_001371414.1).
Identifiers: ClinVar variation 1074726 (VCV001074726.7), dbSNP rs2106325859, ClinGen allele CA2499215750.

ClinVar aggregate classification (germline): Pathogenic (1 of 4 stars; one submission).

Conditions:
Biotin-responsive basal ganglia disease (BTBGD). Also called: Thiamine Transporter-2 Deficiency; Thiamine metabolism dysfunction syndrome 2 (biotin- or thiamine-responsive encephalopathy type 2); Thiamine metabolism dysfunction syndrome type 2; THIAMINE METABOLISM DYSFUNCTION SYNDROME 2 (BIOTIN- AND THIAMINE-RESPONSIVE TYPE); thiamine-responsive encephalopathy. Identifiers: Orphanet 199348, Orphanet 65284, MedGen C1843807, MONDO:0011841, OMIM 607483.

Submission:

Labcorp Genetics (formerly Invitae), Labcorp
Classification: Pathogenic for Biotin-responsive basal ganglia disease. Last evaluated: 2020-03-04. Review status: criteria provided, single submitter. Criteria: Invitae Variant Classification Sherloc (09022015). Collection method: clinical testing. Allele origin: germline.
Comment: This variant has not been reported in the literature in individuals with SLC19A3-related conditions. For these reasons, this variant has been classified as Pathogenic. Loss-of-function variants in SLC19A3 are known to be pathogenic (PMID: 23423671, 23482991). This variant is not present in population databases (ExAC no frequency). This sequence change creates a premature translational stop signal (p.Ile389*) in the SLC19A3 gene. It is expected to result in an absent or disrupted protein product.

Literature cited by the submitters: PubMed 23423671; PubMed 23482991.